The following is an entry in ClinVar:

ClinVar aggregate classification (germline): Uncertain significance (1 of 4 stars; one submission).

Conditions:
Familial acute necrotizing encephalopathy (IIAE3). Also called: ENCEPHALOPATHY, ACUTE, INFECTION-INDUCED, SUSCEPTIBILITY TO, 3; Susceptibility to Acute Necrotizing Encephalopathy 1. Identifiers: Orphanet 88619, MedGen C2675556, MONDO:0011953, OMIM 608033.

Allele frequency attached by ClinVar (database versions not stated): TOPMed 0.00001; ExAC 0.00003.
gnomAD v4.1: 3 of 1,611,582 alleles (0.00019%); highest among the groups gnomAD compares: Non-Finnish European, 0.00017%; no homozygotes.

Submission:

Labcorp Genetics (formerly Invitae), Labcorp
Classification: Uncertain significance for Familial acute necrotizing encephalopathy. Last evaluated: 2022-07-05. Review status: criteria provided, single submitter. Criteria: Invitae Variant Classification Sherloc (09022015). Collection method: clinical testing. Allele origin: germline.
Comment: In summary, the available evidence is currently insufficient to determine the role of this variant in disease. Therefore, it has been classified as a Variant of Uncertain Significance. Algorithms developed to predict the effect of missense changes on protein structure and function are either unavailable or do not agree on the potential impact of this missense change (SIFT: "Deleterious"; PolyPhen-2: "Benign"; Align-GVGD: "Class C65"). ClinVar contains an entry for this variant (Variation ID: 1017105). This variant has not been reported in the literature in individuals affected with RANBP2-related conditions. This variant is present in population databases (rs771708771, gnomAD 0.006%). This sequence change replaces arginine, which is basic and polar, with methionine, which is neutral and non-polar, at codon 58 of the RANBP2 protein (p.Arg58Met).

NM_006267.5(RANBP2):c.173G>T (p.Arg58Met)

Gene: RANBP2 (RAN binding protein 2; plus strand). Cytogenetic location: 2q13.
Variant type: single nucleotide variant.
Coding change: c.173G>T on transcript NM_006267.5 (MANE Select); coding-DNA position 173, G replaced by T.
Protein change: p.Arg58Met; replaces arginine 58 with methionine.
Molecular consequence: missense variant.
Genome position (GRCh38, 1-based): chr2:108,730,806, G>T. VCF-style: chr2-108730806-G-T. GRCh37 (hg19) VCF-style: chr2-109347262-G-T.
Other names: short protein forms R58M.
Identifiers: ClinVar variation 1017105 (VCV001017105.5), dbSNP rs771708771, ClinGen allele CA1821963.